The following is an entry in ClinVar:

NM_000302.4(PLOD1):c.443del (p.Gly148fs)

Gene: PLOD1 (procollagen-lysine,2-oxoglutarate 5-dioxygenase 1; plus strand). Cytogenetic location: 1p36.22.
Variant type: Deletion.
Coding change: c.443del on transcript NM_000302.4 (MANE Select); coding-DNA position 443, one base deleted (G; older notation c.443delG).
Protein change: p.Gly148fs; shifts the reading frame from glycine 148.
Molecular consequence: frameshift variant.
Genome position (GRCh38, 1-based): chr1:11,950,497, G deleted; the last of 2 consecutive G bases (chr1:11,950,496-11,950,497); deleting either gives the same sequence. VCF-style (leftmost placement, unchanged base first): chr1-11950495-TG-T. GRCh37 (hg19) VCF-style: chr1-12010552-TG-T.
Other names: c.584del, p.Gly195fs (NM_001316320.2); short protein forms G148fs, G195fs.
Identifiers: ClinVar variation 4056740 (VCV004056740.1).

ClinVar aggregate classification (germline): Likely pathogenic (1 of 4 stars; one submission).

Conditions:
Ehlers-Danlos syndrome, kyphoscoliotic type 1 (EDSKSCL1). Also called: EHLERS-DANLOS SYNDROME, TYPE VIA; Ehlers-Danlos syndrome, hydroxylysine-deficient; EHLERS-DANLOS SYNDROME, OCULAR-SCOLIOTIC TYPE; PLOD1-Related Kyphoscoliotic Ehlers-Danlos Syndrome. Identifiers: Orphanet 1900, MedGen C0268342, MONDO:0016002, OMIM 225400. Disease mechanism: loss of function.

Submission:

Laboratorio de Genetica e Diagnostico Molecular, Hospital Israelita Albert Einstein
Classification: Likely pathogenic for Ehlers-Danlos syndrome, kyphoscoliotic type 1. Last evaluated: 2024-03-15. Review status: criteria provided, single submitter. Criteria: ACMG Guidelines, 2015. Collection method: clinical testing. Allele origin: germline. Affected: yes.
Comment: ACMG classification criteria: PVS1 very strong, PM2 supporting